The following is an entry in ClinVar:

NM_004655.4(AXIN2):c.2516T>A (p.Val839Glu)

Gene: AXIN2 (axin 2; minus strand). Cytogenetic location: 17q24.1.
Variant type: single nucleotide variant.
Coding change: c.2516T>A on transcript NM_004655.4 (MANE Select); coding-DNA position 2516, T replaced by A.
Protein change: p.Val839Glu; replaces valine 839 with glutamic acid.
Molecular consequence: missense variant.
Genome position (GRCh38, 1-based): chr17:65,529,992, A>T on the plus strand (T>A on the coding strand, the complement: AXIN2 is on the minus strand). VCF-style: chr17-65529992-A-T. GRCh37 (hg19) VCF-style: chr17-63526110-A-T.
Other names: c.2321T>A, p.Val774Glu (NM_001363813.1); short protein forms V774E, V839E.
Identifiers: ClinVar variation 5032538 (VCV005032538.1).

ClinVar aggregate classification (germline): Uncertain significance (1 of 4 stars; one submission).

Conditions:
Hereditary cancer-predisposing syndrome. Also called: Neoplastic Syndromes, Hereditary; Tumor predisposition; Hereditary neoplastic syndrome; Hereditary Cancer Syndrome. Identifiers: Orphanet 140162, MedGen C0027672, MeSH D009386, MONDO:0015356.

gnomAD v4.1: 1 of 1,614,228 alleles (0.000062%); no homozygotes.

Submission:

Ambry Genetics
Classification: Uncertain significance for Hereditary cancer-predisposing syndrome. Last evaluated: 2026-07-06. Review status: criteria provided, single submitter. Criteria: Ambry Variant Classification Scheme 2023. Collection method: clinical testing. Allele origin: germline.
Comment: The p.V839E variant (also known as c.2516T>A), located in coding exon 10 of the AXIN2 gene, results from a T to A substitution at nucleotide position 2516. The valine at codon 839 is replaced by glutamic acid, an amino acid with dissimilar properties. This amino acid position is conserved. In addition, this alteration is predicted to be deleterious by in silico analysis. Based on the available evidence, the clinical significance of this variant remains unclear.